The following is an entry in ClinVar:

ClinVar aggregate classification (germline): Uncertain significance. Review status: criteria provided, multiple submitters, no conflicts (2 of 4 stars). 2 submissions from 2 submitters: Uncertain significance (2). Last evaluated 2025-02-16.

Conditions:
Familial sleep-related hypermotor epilepsy. Also called: Autosomal Dominant Sleep-Related Hypermotor (Hyperkinetic) Epilepsy. Identifiers: Orphanet 98784, MedGen C3696898, MONDO:0000030.
Inborn genetic diseases. Identifiers: MedGen C0950123, MeSH D030342.

Allele frequency attached by ClinVar (database versions not stated): gnomAD exomes below 0.00001 and 0.00003; gnomAD 0.00001; TOPMed 0.00001.

Submissions (2):

Labcorp Genetics (formerly Invitae), Labcorp
Classification: Uncertain significance. Last evaluated: 2025-02-16. Review status: criteria provided, single submitter. Criteria: Invitae Variant Classification Sherloc (09022015). Collection method: clinical testing. Allele origin: germline.
Comment: This sequence change replaces isoleucine, which is neutral and non-polar, with valine, which is neutral and non-polar, at codon 123 of the CHRNA4 protein (p.Ile123Val). This variant is present in population databases (no rsID available, gnomAD 0.0009%). This variant has not been reported in the literature in individuals affected with CHRNA4-related conditions. ClinVar contains an entry for this variant (Variation ID: 1063842). Invitae Evidence Modeling of protein sequence and biophysical properties (such as structural, functional, and spatial information, amino acid conservation, physicochemical variation, residue mobility, and thermodynamic stability) indicates that this missense variant is not expected to disrupt CHRNA4 protein function with a negative predictive value of 80%. In summary, the available evidence is currently insufficient to determine the role of this variant in disease. Therefore, it has been classified as a Variant of Uncertain Significance.

Ambry Genetics
Classification: Uncertain significance for Inborn genetic diseases. Last evaluated: 2019-01-28. Review status: criteria provided, single submitter. Criteria: Ambry Variant Classification Scheme 2023. Collection method: clinical testing. Allele origin: germline.
Comment: The p.I123V variant (also known as c.367A>G), located in coding exon 4 of the CHRNA4 gene, results from an A to G substitution at nucleotide position 367. The isoleucine at codon 123 is replaced by valine, an amino acid with highly similar properties. This amino acid position is highly conserved in available vertebrate species. In addition, the in silico prediction for this alteration is inconclusive. Since supporting evidence is limited at this time, the clinical significance of this alteration remains unclear.

NM_000744.7(CHRNA4):c.367A>G (p.Ile123Val)

Genes: CHRNA4 (cholinergic receptor nicotinic alpha 4 subunit; minus strand), LOC126863087 (P300/CBP strongly-dependent group 1 enhancer GRCh37_chr20:61986832-61988031; plus strand). Cytogenetic location: 20q13.33.
Variant type: single nucleotide variant.
Coding change: c.367A>G on transcript NM_000744.7 (MANE Select); coding-DNA position 367, A replaced by G.
Protein change: p.Ile123Val; replaces isoleucine 123 with valine.
Molecular consequence: missense variant. On other transcripts: 5 prime UTR variant (1), non-coding transcript variant (1).
Genome position (GRCh38, 1-based): chr20:63,355,991, T>C on the plus strand (A>G on the coding strand, the complement: CHRNA4 is on the minus strand). VCF-style: chr20-63355991-T-C. GRCh37 (hg19) VCF-style: chr20-61987343-T-C.
Other names: c.-180A>G (NM_001256573.2); short protein forms I123V.
Identifiers: ClinVar variation 1063842 (VCV001063842.9), dbSNP rs1360629320, ClinGen allele CA409641074.